The following is an entry in ClinVar:

ClinVar aggregate classification (germline): Uncertain significance. Review status: criteria provided, multiple submitters, no conflicts (2 of 4 stars). 3 submissions from 3 submitters: Uncertain significance (2). 1 of the submissions does not count toward it. Last evaluated 2024-09-03.

Conditions:
Retinal dystrophy. Also called: Inherited retinal dystrophy. Identifiers: Orphanet 71862, MedGen C0854723, MeSH D058499, MONDO:0019118, HP:0000556.
Inborn genetic diseases. Identifiers: MedGen C0950123, MeSH D030342.
Nephronophthisis 15 (NPHP15). Identifiers: Orphanet 3156, MedGen C3541853, MONDO:0013917, OMIM 614845.

Allele frequency attached by ClinVar (database versions not stated): gnomAD 0.00001.
gnomAD v4.1: 1 of 1,614,056 alleles (0.000062%); highest among the groups gnomAD compares: African/African-American, 0.0013%; no homozygotes.

Submissions (3):

Ambry Genetics
Classification: Uncertain significance for Inborn genetic diseases. Last evaluated: 2024-09-03. Review status: criteria provided, single submitter. Criteria: Ambry Variant Classification Scheme 2023. Collection method: clinical testing. Allele origin: germline.

Labcorp Genetics (formerly Invitae), Labcorp
Classification: Uncertain significance for Nephronophthisis 15. Last evaluated: 2019-09-16. Review status: criteria provided, single submitter. Criteria: Invitae Variant Classification Sherloc (09022015). Collection method: clinical testing. Allele origin: germline.
Comment: This sequence change replaces serine with asparagine at codon 1231 of the CEP164 protein (p.Ser1231Asn). The serine residue is highly conserved and there is a small physicochemical difference between serine and asparagine. This variant is not present in population databases (ExAC no frequency). In summary, the available evidence is currently insufficient to determine the role of this variant in disease. Therefore, it has been classified as a Variant of Uncertain Significance. Algorithms developed to predict the effect of missense changes on protein structure and function (SIFT, PolyPhen-2, Align-GVGD) all suggest that this variant is likely to be disruptive, but these predictions have not been confirmed by published functional studies and their clinical significance is uncertain. This variant has not been reported in the literature in individuals with CEP164-related conditions.

Institute of Human Genetics, Univ. Regensburg, Univ. Regensburg
Classification: Uncertain significance for Retinal dystrophy. Last evaluated: 2023-01-01. Review status: no assertion criteria provided. Criteria: ACMG Guidelines, 2015. Collection method: clinical testing. Allele origin: germline. Affected: yes. Not counted in ClinVar's aggregate classification.

NM_014956.5(CEP164):c.3692G>A (p.Ser1231Asn)

Gene: CEP164 (centrosomal protein 164; plus strand). Cytogenetic location: 11q23.3.
Variant type: single nucleotide variant.
Coding change: c.3692G>A on transcript NM_014956.5 (MANE Select); coding-DNA position 3692, G replaced by A.
Protein change: p.Ser1231Asn; replaces serine 1231 with asparagine.
Molecular consequence: missense variant.
Genome position (GRCh38, 1-based): chr11:117,408,972, G>A. VCF-style: chr11-117408972-G-A. GRCh37 (hg19) VCF-style: chr11-117279688-G-A.
Other names: c.3701G>A, p.Ser1234Asn (NM_001271933.2); short protein forms S1231N, S1234N.
Identifiers: ClinVar variation 961104 (VCV000961104.11), dbSNP rs950631722, ClinGen allele CA229374154.
Genomic context (GRCh38, chr11:117,408,972, plus strand): 5'-GAGGATCCCCCACCAAGAAGGCAGTAACCTTCGACCTCAGTGACATGGACAGCCTGAGCA[G>A]TGAAAGTTCTGAATCTTTTTCCCCGCCTCACCGTGAGTGGTGGCGGCAGCAGAGGAGTGA-3'
Protein context (NP_055771.4, residues 1221-1241): FDLSDMDSLS[Ser1231Asn]ESSESFSPPH